The following is an entry in ClinVar:

ClinVar aggregate classification (germline): Likely benign. Review status: criteria provided, multiple submitters, no conflicts (2 of 4 stars). 3 submissions from 3 submitters: Likely benign (3). Last evaluated 2025-12-10.

Conditions:
ASXL3-related disorder. Also called: ASXL3-related condition. Identifiers: MedGen CN381524.
Inborn genetic diseases. Identifiers: MedGen C0950123, MeSH D030342.

Allele frequency attached by ClinVar (database versions not stated): gnomAD exomes 0.00001 and 0.00005; ExAC 0.00003; ESP Exome Variant Server 0.00017; gnomAD 0.00017 and 0.00019; TOPMed 0.00020.
gnomAD v4.1: 48 of 1,613,760 alleles (0.003%); highest among the groups gnomAD compares: African/African-American, 0.056%; no homozygotes.

Submissions (3):

PreventionGenetics, part of Exact Sciences
Classification: Likely benign for ASXL3-related condition. Last evaluated: 2025-12-10. Review status: criteria provided, single submitter. Criteria: ACMG Guidelines, 2015. Collection method: clinical testing. Allele origin: germline.
Comment: This variant is classified as likely benign based on ACMG/AMP sequence variant interpretation guidelines (Richards et al. 2015 PMID: 25741868, with internal and published modifications).

Ambry Genetics
Classification: Likely benign for Inborn genetic diseases. Last evaluated: 2022-02-02. Review status: criteria provided, single submitter. Criteria: Ambry Variant Classification Scheme 2023. Collection method: clinical testing. Allele origin: germline.

GeneDx
Classification: Likely benign. Last evaluated: 2021-04-06. Review status: criteria provided, single submitter. Criteria: GeneDx Variant Classification Process June 2021. Collection method: clinical testing. Allele origin: germline. Affected: yes.

NM_030632.3(ASXL3):c.2349A>T (p.Lys783Asn)

Gene: ASXL3 (ASXL transcriptional regulator 3; plus strand). Cytogenetic location: 18q12.1.
Variant type: single nucleotide variant.
Coding change: c.2349A>T on transcript NM_030632.3 (MANE Select); coding-DNA position 2349, A replaced by T.
Protein change: p.Lys783Asn; replaces lysine 783 with asparagine.
Molecular consequence: missense variant.
Genome position (GRCh38, 1-based): chr18:33,739,753, A>T. VCF-style: chr18-33739753-A-T. GRCh37 (hg19) VCF-style: chr18-31319717-A-T.
Other names: c.2349A>T (NM_030632.2); short protein forms K783N.
Identifiers: ClinVar variation 1190463 (VCV001190463.6), dbSNP rs371155056, ClinGen allele CA8933905.